The following is an entry in ClinVar:

ClinVar aggregate classification (germline): Uncertain significance (1 of 4 stars; one submission).

Conditions:
Dystonic disorder. Also called: Dystonia. Identifiers: MedGen C0013421, MONDO:0003441, HP:0001332.

Submission:

Labcorp Genetics (formerly Invitae), Labcorp
Classification: Uncertain significance for Dystonic disorder. Last evaluated: 2022-02-24. Review status: criteria provided, single submitter. Criteria: Invitae Variant Classification Sherloc (09022015). Collection method: clinical testing. Allele origin: germline.
Comment: This sequence change replaces serine, which is neutral and polar, with cysteine, which is neutral and slightly polar, at codon 136 of the SPR protein (p.Ser136Cys). This variant is not present in population databases (gnomAD no frequency). This variant has not been reported in the literature in individuals affected with SPR-related conditions. Algorithms developed to predict the effect of missense changes on protein structure and function are either unavailable or do not agree on the potential impact of this missense change (SIFT: "Deleterious"; PolyPhen-2: "Probably Damaging"; Align-GVGD: "Class C15"). Algorithms developed to predict the effect of sequence changes on RNA splicing suggest that this variant may create or strengthen a splice site. In summary, the available evidence is currently insufficient to determine the role of this variant in disease. Therefore, it has been classified as a Variant of Uncertain Significance.

NM_003124.5(SPR):c.407C>G (p.Ser136Cys)

Gene: SPR (sepiapterin reductase; plus strand). Cytogenetic location: 2p13.2.
Variant type: single nucleotide variant.
Coding change: c.407C>G on transcript NM_003124.5 (MANE Select); coding-DNA position 407, C replaced by G.
Protein change: p.Ser136Cys; replaces serine 136 with cysteine.
Molecular consequence: missense variant.
Genome position (GRCh38, 1-based): chr2:72,888,416, C>G. VCF-style: chr2-72888416-C-G. GRCh37 (hg19) VCF-style: chr2-73115545-C-G.
Other names: short protein forms S136C.
Identifiers: ClinVar variation 2102828 (VCV002102828.1), dbSNP rs2528315528, ClinGen allele CA347231559.